The following is an entry in ClinVar:

NM_002691.4(POLD1):c.1717G>A (p.Val573Met)

Gene: POLD1 (DNA polymerase delta 1, catalytic subunit; plus strand). Cytogenetic location: 19q13.33.
Variant type: single nucleotide variant.
Coding change: c.1717G>A on transcript NM_002691.4 (MANE Select); coding-DNA position 1717, G replaced by A.
Protein change: p.Val573Met; replaces valine 573 with methionine.
Molecular consequence: missense variant. On other transcripts: non-coding transcript variant (1).
Genome position (GRCh38, 1-based): chr19:50,407,357, G>A. VCF-style: chr19-50407357-G-A. GRCh37 (hg19) VCF-style: chr19-50910614-G-A.
Other names: c.1717G>A, p.Val573Met (NM_001256849.1, NM_001308632.1); short protein forms V573M.
Identifiers: ClinVar variation 2836571 (VCV002836571.3), dbSNP rs760616076, ClinGen allele CA406981227.
Genomic context (GRCh38, chr19:50,407,357, plus strand): 5'-CACTCCATTTCCCACCTTCTCCCCTCCCAGGCCATGCACGAGGGGCTGCTGATGCCCGTG[G>A]TGAAGTCAGAGGGCGGCGAGGACTACACGGGAGCCACTGTCATCGAGCCCCTCAAAGGGT-3'
Protein context (NP_002682.2, residues 563-583): AMHEGLLMPV[Val573Met]KSEGGEDYTG

ClinVar aggregate classification (germline): Uncertain significance (1 of 4 stars; one submission).

Conditions:
POLD1-related polyposis and colorectal cancer syndrome (CRCS10). Also called: Colorectal cancer 10; COLORECTAL CANCER, SUSCEPTIBILITY TO, ON CHROMOSOME 19q; Colorectal cancer, susceptibility to, 10. Identifiers: Orphanet 220460, MedGen C2675481, MONDO:0012953, OMIM 612591.

Submission:

Labcorp Genetics (formerly Invitae), Labcorp
Classification: Uncertain significance for POLD1-related polyposis and colorectal cancer syndrome. Last evaluated: 2023-02-13. Review status: criteria provided, single submitter. Criteria: Invitae Variant Classification Sherloc (09022015). Collection method: clinical testing. Allele origin: germline.
Comment: In summary, the available evidence is currently insufficient to determine the role of this variant in disease. Therefore, it has been classified as a Variant of Uncertain Significance. Advanced modeling of protein sequence and biophysical properties (such as structural, functional, and spatial information, amino acid conservation, physicochemical variation, residue mobility, and thermodynamic stability) performed at Invitae indicates that this missense variant is not expected to disrupt POLD1 protein function. This variant has not been reported in the literature in individuals affected with POLD1-related conditions. This variant is not present in population databases (gnomAD no frequency). This sequence change replaces valine, which is neutral and non-polar, with methionine, which is neutral and non-polar, at codon 573 of the POLD1 protein (p.Val573Met).